The following is an entry in ClinVar:

NM_001374353.1(GLI2):c.1667A>G (p.Lys556Arg)

Gene: GLI2 (GLI family zinc finger 2; plus strand). Cytogenetic location: 2q14.2.
Variant type: single nucleotide variant.
Coding change: c.1667A>G on transcript NM_001374353.1 (MANE Select); coding-DNA position 1667, A replaced by G.
Protein change: p.Lys556Arg; replaces lysine 556 with arginine.
Molecular consequence: missense variant.
Genome position (GRCh38, 1-based): chr2:120,984,505, A>G. VCF-style: chr2-120984505-A-G. GRCh37 (hg19) VCF-style: chr2-121742081-A-G.
Other names: c.1718A>G, p.Lys573Arg (NM_001371271.1, NM_005270.5); c.1292A>G, p.Lys431Arg (NM_001374354.1); short protein forms K431R, K556R, K573R.
Identifiers: ClinVar variation 3896062 (VCV003896062.1).

ClinVar aggregate classification (germline): Uncertain significance (1 of 4 stars; one submission).

Submission:

Women's Health and Genetics/Laboratory Corporation of America, LabCorp
Classification: Uncertain significance. Last evaluated: 2025-03-20. Review status: criteria provided, single submitter. Criteria: LabCorp Variant Classification Summary - May 2015. Collection method: clinical testing. Allele origin: germline.
Comment: Variant summary: GLI2 c.1718A>G (p.Lys573Arg) results in a conservative amino acid change located in the 5th C2H2-type Zinc finger (IPR013087) of the encoded protein sequence. Three of five in-silico tools predict a damaging effect of the variant on protein function. The variant was absent in 251414 control chromosomes. The available data on variant occurrences in the general population are insufficient to allow any conclusion about variant significance. To our knowledge, no occurrence of c.1718A>G in individuals affected with GLI2-Related Disorders and no experimental evidence demonstrating its impact on protein function have been reported. No submitters have cited clinical-significance assessments for this variant to ClinVar. Based on the evidence outlined above, the variant was classified as uncertain significance.